The following is an entry in ClinVar:

ClinVar aggregate classification (germline): Pathogenic. Review status: criteria provided, single submitter (1 of 4 stars). 2 submissions from 2 submitters: Pathogenic (1). 1 of the submissions does not count toward it. Last evaluated 2019-08-27.

Conditions:
Pyruvate dehydrogenase E1-alpha deficiency (PDHAD). Also called: ATAXIA, INTERMITTENT, WITH PYRUVATE DEHYDROGENASE DEFICIENCY; ATAXIA WITH LACTIC ACIDOSIS I; ATAXIA, INTERMITTENT, WITH ABNORMAL PYRUVATE METABOLISM; Ataxia, intermittent, with pyruvate dehydrogenase, or decarboxylase, deficiency. Identifiers: Orphanet 79243, MedGen C1839413, MONDO:0010717, OMIM 312170.

Submissions (2):

Institute of Human Genetics Munich, TUM University Hospital
Classification: Pathogenic for Pyruvate dehydrogenase E1-alpha deficiency. Last evaluated: 2019-08-27. Review status: criteria provided, single submitter. Criteria: Classification criteria August 2017. Collection method: clinical testing. Allele origin: de novo. Inheritance: X-linked inheritance. Affected: yes. Observed: 1 heterozygote.

PDHA1 Study Group, University Children’s Hospital, Paracelsus Medical University
Classification: Pathogenic for Pyruvate dehydrogenase E1-alpha deficiency. Last evaluated: 2024-10-15. Review status: no assertion criteria provided. Collection method: research. Allele origin: germline. Affected: yes. Observed: 3 variant alleles. Not counted in ClinVar's aggregate classification.
Comment: The NM_000284.3:c.642G>T (p.Trp214Cys) substitution is a missense variant in PDHA1 gene. In total, 3 individuals were diagnosed with PDHA1-related Pyruvate dehydrogenase complex (PDHc) deficiency (MIM #312170). The variant has been reported in 2 published cases (PMIDs: 21846590). Last literature search: July 12, 2024. This variant is absent or extremely rare in population-based cohorts in the Genome Aggregation Database (gnomAD). Individuals harboring this variant presented with clinical features compatible with PDHA1-related PDHc deficiency. In summary, this variant meets criteria to be classified as pathogenic (P) for PDHA1-related PDHc deficiency based on the ACMG/AMP criteria applied: PS3, PM1, PM2, PM7, PP3 (last assessment October 15, 2024).

Literature cited by the submitters: PubMed 21846590 (cited by PDHA1 Study Group, University Children’s Hospital, Paracelsus Medical University); DOI 10.1093/brain/awaf430 (cited by PDHA1 Study Group, University Children’s Hospital, Paracelsus Medical University).

NM_000284.4(PDHA1):c.642G>T (p.Trp214Cys)

Gene: PDHA1 (pyruvate dehydrogenase E1 subunit alpha 1; plus strand). Cytogenetic location: Xp22.12.
Variant type: single nucleotide variant.
Coding change: c.642G>T on transcript NM_000284.4 (MANE Select); coding-DNA position 642, G replaced by T.
Protein change: p.Trp214Cys; replaces tryptophan 214 with cysteine.
Molecular consequence: missense variant.
Genome position (GRCh38, 1-based): chrX:19,355,387, G>T. VCF-style: chrX-19355387-G-T. GRCh37 (hg19) VCF-style: chrX-19373505-G-T.
Other names: c.642G>T (NM_000284.3); c.756G>T, p.Trp252Cys (NM_001173454.2); c.663G>T, p.Trp221Cys (NM_001173455.2); c.549G>T, p.Trp183Cys (NM_001173456.2); short protein forms W214C, W183C, W252C, W221C.
Identifiers: ClinVar variation 807461 (VCV000807461.4), dbSNP rs1569191659, ClinGen allele CA412394404.
Genomic context (GRCh38, chrX:19,355,387, plus strand): 5'-CCCTTTTCGTAACTACTTCCAGGGCCAGATATTCGAAGCTTACAACATGGCAGCTTTGTG[G>T]AAATTACCTTGTATTTTCATCTGTGAGAATAATCGCTATGGAATGGGAACGTCTGTTGAG-3'
Protein context (NP_000275.1, residues 204-224): IFEAYNMAAL[Trp214Cys]KLPCIFICEN